The following is an entry in ClinVar:

ClinVar aggregate classification (germline): Conflicting classifications of pathogenicity. Review status: criteria provided, conflicting classifications (1 of 4 stars). 2 submissions from 2 submitters: Likely pathogenic (1); Uncertain significance (1). Last evaluated 2025-11-17.

Conditions:
Congenital neutropenia-myelofibrosis-nephromegaly syndrome. Also called: Severe congenital neutropenia 5, autosomal recessive. Identifiers: Orphanet 369852, MedGen C3809031, MONDO:0014118, OMIM 615285.

Submissions (2):

Natera, Inc.
Classification: Likely pathogenic for Autosomal recessive severe congenital neutropenia 5. Last evaluated: 2025-11-17. Review status: criteria provided, single submitter. Criteria: Natera Variant Classification Schema (03/2026). Collection method: clinical testing. Allele origin: germline.
Comment: The c.1226_1227insATTCCTGAGGAACA variant in VPS45 is a frameshift variant predicted to shift the reading frame beginning at codon 409 and leads to a stop codon 53 codons downstream. This variant is expected to result in nonsense mediated decay, truncation, or a dysfunctional protein product. This variant is rare in the general population with a frequency below the threshold expected for the associated phenotype(s). Given the available evidence, this variant is classified as Likely Pathogenic.

Labcorp Genetics (formerly Invitae), Labcorp
Classification: Uncertain significance for Congenital neutropenia-myelofibrosis-nephromegaly syndrome. Last evaluated: 2025-10-02. Review status: criteria provided, single submitter. Criteria: Invitae Variant Classification Sherloc (09022015). Collection method: clinical testing. Allele origin: germline.
Comment: This sequence change creates a premature translational stop signal (p.Asp409Glufs*53) in the VPS45 gene. It is expected to result in an absent or disrupted protein product. However, the current clinical and genetic evidence is not sufficient to establish whether loss-of-function variants in VPS45 cause disease. This variant is present in population databases (rs781971789, gnomAD 0.01%). This variant has not been reported in the literature in individuals affected with VPS45-related conditions. ClinVar contains an entry for this variant (Variation ID: 2202548). In summary, the available evidence is currently insufficient to determine the role of this variant in disease. Therefore, it has been classified as a Variant of Uncertain Significance.

NM_007259.5(VPS45):c.1226_1227insATTCCTGAGGAACA (p.Asp409fs)

Gene: VPS45 (vacuolar protein sorting 45 homolog; plus strand). Cytogenetic location: 1q21.2.
Variant type: Insertion.
Coding change: c.1226_1227insATTCCTGAGGAACA on transcript NM_007259.5 (MANE Select); coding-DNA positions 1226 to 1227, ATTCCTGAGGAACA inserted.
Protein change: p.Asp409fs; shifts the reading frame from aspartic acid 409.
Molecular consequence: frameshift variant. On other transcripts: non-coding transcript variant (1).
Genome position: GRCh38 VCF-style: chr1-150092057-G-GAATTCCTGAGGAAC. GRCh37 (hg19) VCF-style: chr1-150064151-G-GAATTCCTGAGGAAC.
Other names: c.911_912insATTCCTGAGGAACA, p.Asp304fs (NM_001279353.2); c.1118_1119insATTCCTGAGGAACA, p.Asp373fs (NM_001279354.2); short protein forms D373fs, D304fs, D409fs.
Identifiers: ClinVar variation 2202548 (VCV002202548.3), dbSNP rs781971789, ClinGen allele CA1073337.
Genomic context (GRCh38, chr1:150,092,057, plus strand): 5'-ATGCTTTATGCTTTACATTATGAGCGACACAGCAGCAATAGCCTGCCAGGACTAATGATG[G>GAATTCCTGAGGAAC]ACCTCAGGAATAAAGGTGTTTCTGAGAAGTATCGAAAGGTAACCAGTTTCCATATTAGCC-3'